The following is an entry in ClinVar:

ClinVar aggregate classification (germline): Uncertain significance (1 of 4 stars; one submission).

Allele frequency attached by ClinVar (database versions not stated): gnomAD exomes below 0.00001; TOPMed 0.00001.

Submission:

GeneDx
Classification: Uncertain significance. Last evaluated: 2022-09-12. Review status: criteria provided, single submitter. Criteria: GeneDx Variant Classification Process June 2021. Collection method: clinical testing. Allele origin: germline. Affected: yes.
Comment: Not observed at significant frequency in large population cohorts (gnomAD); In silico analysis supports that this missense variant does not alter protein structure/function; Has not been previously published as pathogenic or benign to our knowledge

NM_003106.4(SOX2):c.410A>G (p.Asn137Ser)

Genes: SOX2 (SRY-box transcription factor 2; plus strand), SOX2-OT (SOX2 overlapping transcript; plus strand), LOC108281177 (SOX2 5' regulatory region; plus strand). Cytogenetic location: 3q26.33.
Variant type: single nucleotide variant.
Coding change: c.410A>G on transcript NM_003106.4 (MANE Select); coding-DNA position 410, A replaced by G.
Protein change: p.Asn137Ser; replaces asparagine 137 with serine.
Molecular consequence: missense variant.
Genome position (GRCh38, 1-based): chr3:181,712,770, A>G. VCF-style: chr3-181712770-A-G. GRCh37 (hg19) VCF-style: chr3-181430558-A-G.
Other names: short protein forms N137S.
Identifiers: ClinVar variation 2443567 (VCV002443567.1), dbSNP rs1010726615, ClinGen allele CA89241879.
Genomic context (GRCh38, chr3:181,712,770, plus strand): 5'-AGACGCTCATGAAGAAGGATAAGTACACGCTGCCCGGCGGGCTGCTGGCCCCCGGCGGCA[A>G]TAGCATGGCGAGCGGGGTCGGGGTGGGCGCCGGCCTGGGCGCGGGCGTGAACCAGCGCAT-3'
Protein context (NP_003097.1, residues 127-147): LPGGLLAPGG[Asn137Ser]SMASGVGVGA